The following is an entry in ClinVar:

ClinVar aggregate classification (germline): Uncertain significance (1 of 4 stars; one submission).

Conditions:
Hereditary cancer-predisposing syndrome. Also called: Neoplastic Syndromes, Hereditary; Tumor predisposition; Hereditary Cancer Syndrome; Hereditary neoplastic syndrome. Identifiers: Orphanet 140162, MedGen C0027672, MeSH D009386, MONDO:0015356.

gnomAD v4.1: 1 of 1,614,132 alleles (0.000062%); no homozygotes.

Submission:

Ambry Genetics
Classification: Uncertain significance for Hereditary cancer-predisposing syndrome. Last evaluated: 2022-01-10. Review status: criteria provided, single submitter. Criteria: Ambry Variant Classification Scheme 2023. Collection method: clinical testing. Allele origin: germline.
Comment: The p.A555T variant (also known as c.1663G>A), located in coding exon 4 of the MSH6 gene, results from a G to A substitution at nucleotide position 1663. The alanine at codon 555 is replaced by threonine, an amino acid with similar properties. This amino acid position is poorly conserved in available vertebrate species. In addition, this alteration is predicted to be tolerated by in silico analysis. Since supporting evidence is limited at this time, the clinical significance of this alteration remains unclear.

NM_000179.3(MSH6):c.1663G>A (p.Ala555Thr)

Gene: MSH6 (mutS homolog 6; plus strand). Cytogenetic location: 2p16.3.
Variant type: single nucleotide variant.
Coding change: c.1663G>A on transcript NM_000179.3 (MANE Select); coding-DNA position 1663, G replaced by A.
Protein change: p.Ala555Thr; replaces alanine 555 with threonine.
Molecular consequence: missense variant.
Genome position (GRCh38, 1-based): chr2:47,799,646, G>A. VCF-style: chr2-47799646-G-A. GRCh37 (hg19) VCF-style: chr2-48026785-G-A.
Other names: c.1273G>A, p.Ala425Thr (NM_001281492.2); c.757G>A, p.Ala253Thr (NM_001281493.2, NM_001281494.2, NM_001406811.1 and 6 more transcripts); c.1759G>A, p.Ala587Thr (NM_001406795.1, NM_001406802.1); c.1663G>A, p.Ala555Thr (NM_001406796.1, NM_001406798.1, NM_001406800.1 and 3 more transcripts); c.1366G>A, p.Ala456Thr (NM_001406797.1, NM_001406801.1, NM_001406805.1 and 10 more transcripts); c.1138G>A, p.Ala380Thr (NM_001406799.1, NM_001406806.1, NM_001406807.1); c.1585G>A, p.Ala529Thr (NM_001406804.1); c.1669G>A, p.Ala557Thr (NM_001406813.1); and 1 more; short protein forms A253T, A380T, A555T, A557T, A456T, A587T, A425T, A499T.
Identifiers: ClinVar variation 1777533 (VCV001777533.2), dbSNP rs2104359268, ClinGen allele CA346747343.